The following is an entry in ClinVar:

NM_001161352.2(KCNMA1):c.1888A>T (p.Met630Leu)

Gene: KCNMA1 (potassium calcium-activated channel subfamily M alpha 1; minus strand). Cytogenetic location: 10q22.3.
Variant type: single nucleotide variant.
Coding change: c.1888A>T on transcript NM_001161352.2 (MANE Select); coding-DNA position 1888, A replaced by T.
Protein change: p.Met630Leu; replaces methionine 630 with leucine.
Molecular consequence: missense variant.
Genome position (GRCh38, 1-based): chr10:77,027,863, T>A on the plus strand (A>T on the coding strand, the complement: KCNMA1 is on the minus strand). VCF-style: chr10-77027863-T-A. GRCh37 (hg19) VCF-style: chr10-78787621-T-A.
Other names: c.1888A>T, p.Met630Leu (NM_001014797.3, NM_001161353.2, NM_001271519.2 and 8 more transcripts); c.1726A>T, p.Met576Leu (NM_001271518.2); c.1348A>T, p.Met450Leu (NM_001322838.2); short protein forms M450L, M576L, M630L.
Identifiers: ClinVar variation 3376577 (VCV003376577.1).

ClinVar aggregate classification (germline): Uncertain significance (1 of 4 stars; one submission).

Conditions:
Generalized epilepsy-paroxysmal dyskinesia syndrome (PNKD3). Also called: Generalized epilepsy and paroxysmal dyskinesia; Paroxysmal nonkinesigenic dyskinesia, 3, with or without generalized epilepsy. Identifiers: Orphanet 79137, MedGen C5574945, MONDO:0012276, OMIM 609446.

Submission:

Victorian Clinical Genetics Services, Murdoch Childrens Research Institute
Classification: Uncertain significance for Generalized epilepsy-paroxysmal dyskinesia syndrome. Last evaluated: 2022-02-02. Review status: criteria provided, single submitter. Criteria: ACMG Guidelines, 2015. Collection method: clinical testing. Allele origin: germline. Inheritance: Autosomal dominant inheritance.
Comment: Based on the classification scheme VCGS_Germline_v1.3.4, this variant is classified as VUS-3C. Following criteria are met: 0103 - Loss of function and gain of function are known mechanisms of disease in this gene and are associated with cerebellar atrophy, developmental delay, and seizures (CADDS; MIM#617643), and paroxysmal nonkinesigenic dyskinesia, 3 with or without generalized epilepsy (PNKD3; MIM#609446), respectively (OMIM). Missense variants have been reported in individuals with PNKD3, while those resulting in a premature termination codon and rare missense variants have been reported in biallelic individuals with CADDS (PMID: 31152168, PMID: 29330545). Additionally, missense variants causing Liang-Wang syndrome (MIM#618729), have been functionally proven to have a loss of function effect, but a dominant negative mechanism is speculated (PMID: 31152168). (I) 0108 - This gene is associated with both recessive and dominant disease. Mainly CADDS has been reported in biallelic individuals (OMIM). (I) 0115 - Variants in this gene are known to have variable expressivity (OMIM). (I) 0200 - Variant is predicted to result in a missense amino acid change from methionine to leucine. (I) 0251 - This variant is heterozygous. (I) 0301 - Variant is absent from gnomAD (both v2 and v3). (SP) 0503 - Missense variant consistently predicted to be tolerated by multiple in silico tools or not conserved in placental mammals with a minor amino acid change. (SB) 0600 - Variant is located in the annotated segment S8 of the BK_channel_a domain (NCBI, UniProt). (I) 0705 - No comparable missense variants have previous evidence for pathogenicity. (I) 0807 - This variant has no previous evidence of pathogenicity. (I) 0905 - No published segregation evidence has been identified for this variant. (I) 1007 - No published functional evidence has been identified for this variant. (I) 1208 - Inheritance information for this variant is not currently available in this individual. (I) Legend: (SP) - Supporting pathogenic, (I) - Information, (SB) - Supporting benign

Literature cited by the submitters: PubMed 29330545; PubMed 31152168.